The following is an entry in ClinVar:

ClinVar aggregate classification (germline): Uncertain significance (1 of 4 stars; one submission).

Conditions:
Spastic paraplegia. Identifiers: MedGen C0037772, HP:0001258.

Allele frequency attached by ClinVar (database versions not stated): gnomAD exomes below 0.00001; ExAC 0.00001; gnomAD 0.00001; TOPMed 0.00001.
gnomAD v4.1: 2 of 1,613,272 alleles (0.00012%); highest among the groups gnomAD compares: African/African-American, 0.0013%; no homozygotes.

Submission:

Labcorp Genetics (formerly Invitae), Labcorp
Classification: Uncertain significance for Spastic paraplegia. Last evaluated: 2024-03-04. Review status: criteria provided, single submitter. Criteria: Invitae Variant Classification Sherloc (09022015). Collection method: clinical testing. Allele origin: germline.
Comment: This sequence change creates a premature translational stop signal (p.Gln214*) in the ARSI gene. While this is not anticipated to result in nonsense mediated decay, it is expected to disrupt the last 356 amino acid(s) of the ARSI protein. This variant is present in population databases (rs769558952, gnomAD 0.007%). This variant has not been reported in the literature in individuals affected with ARSI-related conditions. ClinVar contains an entry for this variant (Variation ID: 650733). Experimental studies and prediction algorithms are not available or were not evaluated, and the functional significance of this variant is currently unknown. Algorithms developed to predict the effect of sequence changes on RNA splicing suggest that this variant may create or strengthen a splice site. In summary, the available evidence is currently insufficient to determine the role of this variant in disease. Therefore, it has been classified as a Variant of Uncertain Significance.

NM_001012301.4(ARSI):c.640C>T (p.Gln214Ter)

Gene: ARSI (arylsulfatase family member I; minus strand). Cytogenetic location: 5q32.
Variant type: single nucleotide variant.
Coding change: c.640C>T on transcript NM_001012301.4 (MANE Select); coding-DNA position 640, C replaced by T.
Protein change: p.Gln214Ter; replaces glutamine 214 with a stop codon.
Molecular consequence: nonsense.
Genome position (GRCh38, 1-based): chr5:150,298,284, G>A on the plus strand (C>T on the coding strand, the complement: ARSI is on the minus strand). VCF-style: chr5-150298284-G-A. GRCh37 (hg19) VCF-style: chr5-149677847-G-A.
Other names: short protein forms Q214*.
Identifiers: ClinVar variation 650733 (VCV000650733.8), dbSNP rs769558952, ClinGen allele CA3510290.